The following is an entry in ClinVar:

ClinVar aggregate classification (germline): Uncertain significance. Review status: criteria provided, multiple submitters, no conflicts (2 of 4 stars). 2 submissions from 2 submitters: Uncertain significance (2). Last evaluated 2023-07-26.

Conditions:
Hereditary cancer-predisposing syndrome. Also called: Neoplastic Syndromes, Hereditary; Tumor predisposition; Hereditary neoplastic syndrome; Hereditary Cancer Syndrome. Identifiers: Orphanet 140162, MedGen C0027672, MeSH D009386, MONDO:0015356.
Hereditary breast ovarian cancer syndrome. Also called: Hereditary breast and ovarian cancer syndrome; Hereditary breast and ovarian cancer; Hereditary breast and ovarian cancer syndrome (HBOC); Breast and ovarian cancer; Hereditary breast and/or ovarian cancer syndrome; BRCA1- and BRCA2-Associated Hereditary Breast and Ovarian Cancer. Identifiers: Orphanet 145, MedGen C0677776, MeSH D061325, MONDO:0003582. Disease mechanism: loss of function.

Submissions (2):

Labcorp Genetics (formerly Invitae), Labcorp
Classification: Uncertain significance for Hereditary breast ovarian cancer syndrome. Last evaluated: 2023-07-26. Review status: criteria provided, single submitter. Criteria: Invitae Variant Classification Sherloc (09022015). Collection method: clinical testing. Allele origin: germline.
Comment: In summary, the available evidence is currently insufficient to determine the role of this variant in disease. Therefore, it has been classified as a Variant of Uncertain Significance. Algorithms developed to predict the effect of missense changes on protein structure and function output the following: SIFT: "Not Available"; PolyPhen-2: "Possibly Damaging"; Align-GVGD: "Not Available". The phenylalanine amino acid residue is found in multiple mammalian species, which suggests that this missense change does not adversely affect protein function. ClinVar contains an entry for this variant (Variation ID: 825633). This variant has not been reported in the literature in individuals affected with BRCA1-related conditions. This variant is not present in population databases (gnomAD no frequency). This sequence change replaces serine, which is neutral and polar, with phenylalanine, which is neutral and non-polar, at codon 177 of the BRCA1 protein (p.Ser177Phe).

Ambry Genetics
Classification: Uncertain significance for Hereditary cancer-predisposing syndrome. Last evaluated: 2018-11-13. Review status: criteria provided, single submitter. Criteria: Ambry Variant Classification Scheme 2023. Collection method: clinical testing. Allele origin: germline.
Comment: The p.S177F variant (also known as c.530C>T), located in coding exon 6 of the BRCA1 gene, results from a C to T substitution at nucleotide position 530. The serine at codon 177 is replaced by phenylalanine, an amino acid with highly dissimilar properties. This amino acid position is well conserved in available vertebrate species. In addition, this alteration is predicted to be deleterious by in silico analysis. Since supporting evidence is limited at this time, the clinical significance of this alteration remains unclear.

NM_007294.4(BRCA1):c.530C>T (p.Ser177Phe)

Gene: BRCA1 (BRCA1 DNA repair associated; minus strand). Cytogenetic location: 17q21.31.
Variant type: single nucleotide variant.
Coding change: c.530C>T on transcript NM_007294.4 (MANE Select); coding-DNA position 530, C replaced by T.
Protein change: p.Ser177Phe; replaces serine 177 with phenylalanine.
Molecular consequence: missense variant. On other transcripts: non-coding transcript variant (1).
Genome position (GRCh38, 1-based): chr17:43,099,792, G>A on the plus strand (C>T on the coding strand, the complement: BRCA1 is on the minus strand). VCF-style: chr17-43099792-G-A. GRCh37 (hg19) VCF-style: chr17-41251809-G-A.
Other names: c.530C>T, p.Ser177Phe (NM_001407625.1, NM_001407968.1, NM_001408430.1 and 97 more transcripts); c.149C>T, p.Ser50Phe (NM_001407963.1, NM_001407965.1, NM_001408510.1 and 3 more transcripts); c.527C>T, p.Ser176Phe (NM_001407629.1, NM_001408434.1, NM_001407630.1 and 65 more transcripts); c.386C>T, p.Ser129Phe (NM_001407964.1, NM_001408462.1, NM_001408463.1 and 35 more transcripts); c.317C>T, p.Ser106Phe (NM_001407571.1, NM_001408490.1, NM_001408491.1 and 18 more transcripts); c.521C>T, p.Ser174Phe (NM_001408408.1, NM_001407646.1, NM_001407647.1); c.452C>T, p.Ser151Phe (NM_001408409.1, NM_001408411.1, NM_001408412.1 and 12 more transcripts); c.389C>T, p.Ser130Phe (NM_001408410.1, NM_001408452.1, NM_001408453.1 and 61 more transcripts); and 4 more; short protein forms S177F, S130F, S106F, S132F, S49F, S50F, S150F, S174F.
Identifiers: ClinVar variation 825633 (VCV000825633.8), dbSNP rs753940026, ClinGen allele CA10601079.